The following is an entry in ClinVar:

NM_181303.2(NLGN3):c.841C>T (p.Arg281Trp)

Gene: NLGN3 (neuroligin 3; plus strand). Cytogenetic location: Xq13.1.
Variant type: single nucleotide variant.
Coding change: c.841C>T on transcript NM_181303.2 (MANE Select); coding-DNA position 841, C replaced by T.
Protein change: p.Arg281Trp; replaces arginine 281 with tryptophan.
Molecular consequence: missense variant.
Genome position (GRCh38, 1-based): chrX:71,164,256, C>T. VCF-style: chrX-71164256-C-T. GRCh37 (hg19) VCF-style: chrX-70384106-C-T.
Other names: c.721C>T, p.Arg241Trp (NM_001166660.2); c.430C>T, p.Arg144Trp (NM_001321276.2); c.781C>T, p.Arg261Trp (NM_018977.4); short protein forms R144W, R241W, R261W, R281W.
Identifiers: ClinVar variation 1309725 (VCV001309725.3), dbSNP rs2092439593, ClinGen allele CA413555643.
Genomic context (GRCh38, chrX:71,164,256, plus strand): 5'-CAGATCCAGGCCCTCCGCTGGGTGAGCGAGAATATTGCCTTCTTCGGGGGAGACCCCCGC[C>T]GGATCACTGTCTTTGGCTCGGGCATTGGTGCATCCTGCGTCAGCCTCCTCACGTTGTCAC-3'
Protein context (NP_851820.1, residues 271-291): NIAFFGGDPR[Arg281Trp]ITVFGSGIGA

ClinVar aggregate classification (germline): Uncertain significance (1 of 4 stars; one submission).

Allele frequency attached by ClinVar (database versions not stated): TOPMed below 0.00001.

Submission:

GeneDx
Classification: Uncertain significance. Last evaluated: 2023-05-11. Review status: criteria provided, single submitter. Criteria: GeneDx Variant Classification Process June 2021. Collection method: clinical testing. Allele origin: germline. Affected: yes.
Comment: Not observed in large population cohorts (gnomAD); In silico analysis, which includes protein predictors and evolutionary conservation, supports a deleterious effect; Has not been previously published as pathogenic or benign to our knowledge